The following is an entry in ClinVar:

ClinVar aggregate classification (germline): Pathogenic/Likely pathogenic. Review status: criteria provided, multiple submitters, no conflicts (2 of 4 stars). 7 submissions from 7 submitters: Pathogenic (3); Likely pathogenic (4). Last evaluated 2024-03-25.

Conditions:
Inborn genetic diseases. Identifiers: MedGen C0950123, MeSH D030342.
Charcot-Marie-Tooth disease type 2. Also called: Charcot-Marie-Tooth type 2. Identifiers: Orphanet 64746, MedGen C0270914, MONDO:0018993.
Peripheral neuropathy. Also called: Neuropathy. Identifiers: MedGen C0031117, MONDO:0005244, HP:0009830.
Charcot-Marie-Tooth disease, axonal, autosomal recessive, type 2a2b;. Also called: Charcot-Marie-Tooth disease, axonal, type 2A2B; Charcot-Marie-Tooth disease, axonal, autosomal recessive, type 2A2B. Identifiers: MedGen C4310725, MONDO:0014906, OMIM 617087.
Charcot-Marie-Tooth disease type 2A2. Also called: HEREDITARY MOTOR AND SENSORY NEUROPATHY IIA2; HMSN IIA2; CHARCOT-MARIE-TOOTH DISEASE, AXONAL, TYPE 2A2; CHARCOT-MARIE-TOOTH DISEASE, NEURONAL, TYPE 2A2; Charcot-Marie-Tooth Neuropathy Type 2A2; CHARCOT-MARIE-TOOTH DISEASE, AXONAL, AUTOSOMAL DOMINANT, TYPE 2A2A. Identifiers: Orphanet 99947, MedGen C4721887, MONDO:0012231, OMIM 609260.

Allele frequency attached by ClinVar (database versions not stated): ExAC 0.00002; TOPMed below 0.00001; gnomAD exomes 0.00002.
gnomAD v4.1: 9 of 1,614,196 alleles (0.00056%); highest among the groups gnomAD compares: South Asian, 0.0088%; no homozygotes.

Submissions (7):

Genomic Medicine Center of Excellence, King Faisal Specialist Hospital and Research Centre
Classification: Likely pathogenic for Charcot-Marie-Tooth disease type 2A2. Last evaluated: 2024-03-25. Review status: criteria provided, single submitter. Criteria: ACMG Guidelines, 2015. Collection method: research. Allele origin: germline.

Labcorp Genetics (formerly Invitae), Labcorp
Classification: Pathogenic for Charcot-Marie-Tooth disease type 2. Last evaluated: 2024-01-31. Review status: criteria provided, single submitter. Criteria: Invitae Variant Classification Sherloc (09022015). Collection method: clinical testing. Allele origin: germline.
Comment: This sequence change replaces valine, which is neutral and non-polar, with methionine, which is neutral and non-polar, at codon 112 of the MFN2 protein (p.Val112Met). This variant is present in population databases (rs757937208, gnomAD 0.01%). This missense change has been observed in individuals with Charcot-Marie-Tooth disease (PMID: 32657593, 33415332, 34193129). ClinVar contains an entry for this variant (Variation ID: 587402). Advanced modeling of protein sequence and biophysical properties (such as structural, functional, and spatial information, amino acid conservation, physicochemical variation, residue mobility, and thermodynamic stability) performed at Invitae indicates that this missense variant is expected to disrupt MFN2 protein function with a positive predictive value of 95%. For these reasons, this variant has been classified as Pathogenic.

Ambry Genetics
Classification: Pathogenic for Inborn genetic diseases. Last evaluated: 2024-01-10. Review status: criteria provided, single submitter. Criteria: Ambry Variant Classification Scheme 2023. Collection method: clinical testing. Allele origin: germline.
Comment: The c.334G>A (p.V112M) alteration is located in exon 5 (coding exon 3) of the MFN2 gene. This alteration results from a G to A substitution at nucleotide position 334, causing the valine (V) at amino acid position 112 to be replaced by a methionine (M). Based on the available evidence, the MFN2 c.334G>A (p.V112M) alteration is pathogenic for autosomal recessive MFN2-related neuropathy; however, its clinical significance for autosomal dominant MFN2-related neuropathy is uncertain. Based on data from gnomAD, the A allele has an overall frequency of 0.002% (4/251486) total alleles studied. The highest observed frequency was 0.01% (3/30616) of South Asian alleles. This alteration was detected in the homozygous state in multiple individuals with MFN2-related neuropathy cosegregates with disease in one family (Taghizadeh, 2020; Kanwal, 2021; Sharma, 2022; Asif, 2023). This amino acid position is highly conserved in available vertebrate species. This alteration is predicted to be deleterious by in silico analysis. Based on the available evidence, this alteration is classified as pathogenic.

Kariminejad - Najmabadi Pathology & Genetics Center
Classification: Likely pathogenic for Peripheral neuropathy. Last evaluated: 2021-07-10. Review status: criteria provided, single submitter. Criteria: ACMG Guidelines, 2015. Collection method: clinical testing. Allele origin: germline. Affected: yes.

Laboratory of Applied Genomics, Kongju National University
Classification: Pathogenic for Charcot-Marie-Tooth disease, axonal, autosomal recessive, type 2a2b;. Last evaluated: 2020-11-01. Review status: criteria provided, single submitter. Criteria: ACMG Guidelines, 2015. Collection method: clinical testing. Allele origin: germline. Affected: yes.
Comment: Recessive condition

Genomic Research Center, Shahid Beheshti University of Medical Sciences
Classification: Likely pathogenic for Charcot-Marie-Tooth disease, axonal, autosomal recessive, type 2A2B. Last evaluated: 2018-08-07. Review status: criteria provided, single submitter. Criteria: ACMG Guidelines, 2015. Collection method: clinical testing. Allele origin: inherited. Affected: yes. Observed: 1 variant allele.

Neuberg Centre For Genomic Medicine, NCGM
Classification: Likely pathogenic for Charcot-Marie-Tooth disease, axonal, autosomal recessive, type 2a2b;. Review status: criteria provided, single submitter. Criteria: ACMG Guidelines, 2015. Collection method: clinical testing. Allele origin: germline. Inheritance: Autosomal recessive inheritance. Affected: yes.
Comment: The missense c.334G>Ap.Val112Met variant has been reported in homozygous state in an individuals affected with Charcot-Marie-Tooth disease Kanwal S, et. al., 2021. The p.Val112Met variant has been reported with allele frequency of 0.001% in gnomAD Exomes and is novel not in any individuals in 1000 Genomes database. This variant has been reported to the ClinVar database as Uncertain Significance/Pathogenic/Likely pathogenic. The amino acid change p.Val112Met in MFN2 is predicted as conserved by GERP++ and PhyloP across 100 vertebrates. The amino acid Val at position 112 is changed to a Met changing protein sequence and it might alter its composition and physico-chemical properties. Additional functional studies are required to prove pathogenicity of the variant. For these reasons, this variant has been classified as Likely pathogenic.

Literature cited by the submitters: PubMed 32657593 (cited by Labcorp Genetics (formerly Invitae), Labcorp and Ambry Genetics); PubMed 33415332 (cited by Labcorp Genetics (formerly Invitae), Labcorp); PubMed 34193129 (cited by Labcorp Genetics (formerly Invitae), Labcorp and Ambry Genetics); PubMed 35936615 (cited by Ambry Genetics); PubMed 37797217 (cited by Ambry Genetics).

NM_014874.4(MFN2):c.334G>A (p.Val112Met)

Gene: MFN2 (mitofusin 2; plus strand). Cytogenetic location: 1p36.22.
Variant type: single nucleotide variant.
Coding change: c.334G>A on transcript NM_014874.4 (MANE Select); coding-DNA position 334, G replaced by A.
Protein change: p.Val112Met; replaces valine 112 with methionine.
Molecular consequence: missense variant.
Genome position (GRCh38, 1-based): chr1:11,996,178, G>A. VCF-style: chr1-11996178-G-A. GRCh37 (hg19) VCF-style: chr1-12056235-G-A.
Other names: c.334G>A, p.Val112Met (NM_001127660.2); c.334G>A (NM_001127660.1); short protein forms V112M.
Identifiers: ClinVar variation 587402 (VCV000587402.44), dbSNP rs757937208, ClinGen allele CA598809.